The following is an entry in ClinVar:

NM_000052.7(ATP7A):c.1931A>G (p.Lys644Arg)

Gene: ATP7A (ATPase copper transporting alpha; plus strand). Cytogenetic location: Xq21.1.
Variant type: single nucleotide variant.
Coding change: c.1931A>G on transcript NM_000052.7 (MANE Select); coding-DNA position 1931, A replaced by G.
Protein change: p.Lys644Arg; replaces lysine 644 with arginine.
Molecular consequence: missense variant.
Genome position (GRCh38, 1-based): chrX:78,011,237, A>G. VCF-style: chrX-78011237-A-G. GRCh37 (hg19) VCF-style: chrX-77266734-A-G.
Other names: c.1931A>G, p.Lys644Arg (NM_001282224.2); short protein forms K644R.
Identifiers: ClinVar variation 742689 (VCV000742689.17), dbSNP rs781900997, ClinGen allele CA10459162.

ClinVar aggregate classification (germline): Benign/Likely benign. Review status: criteria provided, multiple submitters, no conflicts (2 of 4 stars). 5 submissions from 5 submitters: Benign (1); Likely benign (2). 2 of the submissions do not count toward it. Last evaluated 2025-07-02.

Conditions:
Menkes kinky-hair syndrome (MNK). Also called: Copper transport disease; Classic Menkes Disease; Menkes Disease. Identifiers: Orphanet 565, MedGen C0022716, MONDO:0010651, OMIM 309400.
Intellectual disability. Also called: Intellectual functioning disability; intellectual disabilities; Intellectual developmental disorder. Identifiers: MedGen C3714756, MeSH D008607, MONDO:0001071, HP:0001249.
ATP7A-related disorder. Also called: ATP7A-related condition.
Cutis laxa, X-linked (OHS). Also called: EDS IX; Occipital horn syndrome. Identifiers: Orphanet 198, MedGen C0268353, MONDO:0010572, OMIM 304150.
X-linked distal spinal muscular atrophy type 3. Also called: ATP7A-Related Distal Motor Neuropathy; SPINAL MUSCULAR ATROPHY, DISTAL, X-LINKED RECESSIVE; NEURONOPATHY, DISTAL HEREDITARY MOTOR, X-LINKED; NEUROPATHY, DISTAL HEREDITARY MOTOR, X-LINKED. Identifiers: Orphanet 139557, MedGen C1845359, MONDO:0010338, OMIM 300489.

Allele frequency attached by ClinVar (database versions not stated): gnomAD exomes 0.00013 and 0.00006; ExAC 0.00015; gnomAD below 0.00001 and 0.00002.
gnomAD v4.1: 69 of 1,206,792 alleles (0.0057%); highest among the groups gnomAD compares: South Asian, 0.11%; no homozygotes.

Submissions (5):

Labcorp Genetics (formerly Invitae), Labcorp
Classification: Benign for X-linked distal spinal muscular atrophy type 3; Cutis laxa, X-linked; Menkes kinky-hair syndrome. Last evaluated: 2025-07-02. Review status: criteria provided, single submitter. Criteria: Invitae Variant Classification Sherloc (09022015). Collection method: clinical testing. Allele origin: germline.

GeneDx
Classification: Likely benign. Last evaluated: 2021-03-02. Review status: criteria provided, single submitter. Criteria: GeneDx Variant Classification Process June 2021. Collection method: clinical testing. Allele origin: germline. Affected: yes.

Cambridge Genomics Laboratory, East Genomic Laboratory Hub, NHS Genomic Medicine Service
Classification: Likely benign for Intellectual disability. Last evaluated: 2020-04-29. Review status: criteria provided, single submitter. Criteria: ACGS Best Practice Guidelines for Variant Classification in Rare Disease 2020. Collection method: clinical testing. Allele origin: germline. Affected: yes. Observed: 1 variant allele.

Natera, Inc.
Classification: Likely benign for Menkes kinky hair syndrome. Last evaluated: 2020-07-10. Review status: no assertion criteria provided. Collection method: clinical testing. Allele origin: germline. Not counted in ClinVar's aggregate classification.

PreventionGenetics, part of Exact Sciences
Classification: Likely benign for ATP7A-related condition. Last evaluated: 2019-08-09. Review status: no assertion criteria provided. Collection method: clinical testing. Allele origin: germline. Not counted in ClinVar's aggregate classification.
Comment: This variant is classified as likely benign based on ACMG/AMP sequence variant interpretation guidelines (Richards et al. 2015 PMID: 25741868, with internal and published modifications).